The following is an entry in ClinVar:

NM_203446.3(SYNJ1):c.130G>T (p.Ala44Ser)

Gene: SYNJ1 (synaptojanin 1; minus strand). Cytogenetic location: 21q22.11.
Variant type: single nucleotide variant.
Coding change: c.130G>T on transcript NM_203446.3 (MANE Select); coding-DNA position 130, G replaced by T.
Protein change: p.Ala44Ser; replaces alanine 44 with serine.
Molecular consequence: missense variant.
Genome position (GRCh38, 1-based): chr21:32,702,042, C>A on the plus strand (G>T on the coding strand, the complement: SYNJ1 is on the minus strand). VCF-style: chr21-32702042-C-A. GRCh37 (hg19) VCF-style: chr21-34074352-C-A.
Other names: c.130G>T, p.Ala44Ser (NM_001160302.2, NM_001160306.2); c.247G>T, p.Ala83Ser (NM_003895.4); short protein forms A44S, A83S.
Identifiers: ClinVar variation 1437886 (VCV001437886.6), dbSNP rs771635470, ClinGen allele CA410102645.

ClinVar aggregate classification (germline): Uncertain significance (1 of 4 stars; one submission).

Conditions:
Developmental and epileptic encephalopathy, 53. Also called: Epileptic encephalopathy, early infantile, 53. Identifiers: MedGen C4479313, MONDO:0033362, OMIM 617389.
Early-onset Parkinson disease 20. Also called: PARKINSON DISEASE 20, AUTOSOMAL RECESSIVE EARLY-ONSET. Identifiers: Orphanet 391411, MedGen C3809824, MONDO:0014233, OMIM 615530.

Allele frequency attached by ClinVar (database versions not stated): TOPMed below 0.00001.
gnomAD v4.1: 11 of 1,546,816 alleles (0.00071%); highest among the groups gnomAD compares: Admixed American, 0.0017%; no homozygotes.

Submission:

Labcorp Genetics (formerly Invitae), Labcorp
Classification: Uncertain significance for Developmental and epileptic encephalopathy, 53; Early-onset Parkinson disease 20. Last evaluated: 2021-08-28. Review status: criteria provided, single submitter. Criteria: Invitae Variant Classification Sherloc (09022015). Collection method: clinical testing. Allele origin: germline.
Comment: This sequence change replaces alanine with serine at codon 83 of the SYNJ1 protein (p.Ala83Ser). The alanine residue is moderately conserved and there is a moderate physicochemical difference between alanine and serine. This variant is not present in population databases (ExAC no frequency). This variant has not been reported in the literature in individuals affected with SYNJ1-related conditions. Algorithms developed to predict the effect of missense changes on protein structure and function are either unavailable or do not agree on the potential impact of this missense change (SIFT: "Tolerated"; PolyPhen-2: "Probably Damaging"; Align-GVGD: "Class C0"). In summary, the available evidence is currently insufficient to determine the role of this variant in disease. Therefore, it has been classified as a Variant of Uncertain Significance.